The following is an entry in ClinVar:

ClinVar aggregate classification (germline): Uncertain significance (1 of 4 stars; one submission).

Submission:

Labcorp Genetics (formerly Invitae), Labcorp
Classification: Uncertain significance. Last evaluated: 2024-12-07. Review status: criteria provided, single submitter. Criteria: Invitae Variant Classification Sherloc (09022015). Collection method: clinical testing. Allele origin: germline.
Comment: This sequence change replaces asparagine, which is neutral and polar, with tyrosine, which is neutral and polar, at codon 108 of the KCNK4 protein (p.Asn108Tyr). This variant is not present in population databases (gnomAD no frequency). This variant has not been reported in the literature in individuals affected with KCNK4-related conditions. An algorithm developed to predict the effect of missense changes on protein structure and function (PolyPhen-2) suggests that this variant is likely to be disruptive. In summary, the available evidence is currently insufficient to determine the role of this variant in disease. Therefore, it has been classified as a Variant of Uncertain Significance.

NM_033310.3(KCNK4):c.322A>T (p.Asn108Tyr)

Genes: KCNK4 (potassium two pore domain channel subfamily K member 4; plus strand), KCNK4-CATSPERZ (KCNK4-CATSPERZ readthrough (NMD candidate); plus strand). Cytogenetic location: 11q13.1.
Variant type: single nucleotide variant.
Coding change: c.322A>T on transcript NM_033310.3 (MANE Select); coding-DNA position 322, A replaced by T.
Protein change: p.Asn108Tyr; replaces asparagine 108 with tyrosine.
Molecular consequence: missense variant. On other transcripts: non-coding transcript variant (3).
Genome position (GRCh38, 1-based): chr11:64,297,127, A>T. VCF-style: chr11-64297127-A-T. GRCh37 (hg19) VCF-style: chr11-64064599-A-T.
Other names: c.322A>T, p.Asn108Tyr (NM_001317090.2); short protein forms N108Y.
Identifiers: ClinVar variation 3613525 (VCV003613525.2).